The following is an entry in ClinVar:

NM_181458.4(PAX3):c.740A>C (p.Tyr247Ser)

Gene: PAX3 (paired box 3; minus strand). Cytogenetic location: 2q36.1.
Variant type: single nucleotide variant.
Coding change: c.740A>C on transcript NM_181458.4 (MANE Select); coding-DNA position 740, A replaced by C.
Protein change: p.Tyr247Ser; replaces tyrosine 247 with serine.
Molecular consequence: missense variant.
Genome position (GRCh38, 1-based): chr2:222,232,130, T>G on the plus strand (A>C on the coding strand, the complement: PAX3 is on the minus strand). VCF-style: chr2-222232130-T-G. GRCh37 (hg19) VCF-style: chr2-223096849-T-G.
Other names: c.737A>C, p.Tyr246Ser (NM_001127366.3); c.740A>C, p.Tyr247Ser (NM_181457.4, NM_181459.4, NM_181460.4 and 1 more transcripts); short protein forms Y246S, Y247S.
Identifiers: ClinVar variation 4881945 (VCV004881945.2).

ClinVar aggregate classification (germline): Uncertain significance (1 of 4 stars; one submission).

Submission:

Dasa
Classification: Uncertain significance. Last evaluated: 2024-12-17. Review status: criteria provided, single submitter. Criteria: DASA Assertion Criteria. Collection method: clinical testing. Allele origin: germline.
Comment: NM_181458.4(PAX3):c.740A>C (p.Tyr247Ser) is a missense variant that results in the substitution of tyrosine with serine. This variant is absent from population databases. Computational prediction algorithms are consistent with a deleterious effect. The currently available literature and clinical evidence are not sufficient to establish a definitive association between this variant and the reported condition. Therefore, this variant is classified as a variant of uncertain significance.